The following is an entry in ClinVar:

ClinVar aggregate classification (germline): Likely pathogenic. Review status: criteria provided, multiple submitters, no conflicts (2 of 4 stars). 2 submissions from 2 submitters: Likely pathogenic (2). Last evaluated 2025-12-04.

Conditions:
Seizures, benign familial neonatal, 1. Also called: Benign Neonatal Epilepsy 1; Seizures, benign neonatal, 1; KCNQ2-Related Self-Limited Familial Neonatal Epilepsy (SLFNE); KCNQ2-Related Benign Familial Neonatal Epilepsy. Identifiers: Orphanet 1949, MedGen C3149074, MONDO:0007365, OMIM 121200.
Developmental and epileptic encephalopathy, 7 (DEE7). Also called: Early infantile epileptic encephalopathy 7; KCNQ2-Related Neonatal-Onset Developmental and Epileptic Encephalopathy (NEO-DEE); KCNQ2-Related Neonatal Epileptic Encephalopathy. Identifiers: Orphanet 439218, MedGen C3150986, MONDO:0013387, OMIM 613720.
Early-infantile DEE. Also called: Early infantile epileptic encephalopathy; Ohtahara syndrome; Early infantile epileptic encephalopathy with suppression bursts. Identifiers: Orphanet 1934, MedGen C0393706, MONDO:0800491.

Submissions (2):

Clinical Genomics Laboratory, Washington University in St. Louis
Classification: Likely pathogenic for Developmental and epileptic encephalopathy, 7; Seizures, benign familial neonatal, 1. Last evaluated: 2025-12-04. Review status: criteria provided, single submitter. Criteria: ACMG Guidelines, 2015. Collection method: clinical testing. Allele origin: germline. Affected: yes.
Comment: The KCNQ2 c.880G>T (p.Ala294Ser) variant, to our knowledge, has not been reported in the medical literature but has been reported in the ClinVar database as a germline likely pathogenic variant by one submitter. This variant is absent from the general population (gnomAD v4.1.0), indicating it is not a common variant. Computational predictors, including a computational predictor specifically trained for KCNQ2 variants, indicate that the variant is damaging, evidence that correlates with an impact to KCNQ2 function (Saez-Matia A et al., PMID: 38474157). Other variants in the same codon (p.Ala294Val, p.Ala294Gly, p.Ala294Glu) have been reported in affected individuals and are considered pathogenic or likely pathogenic (Abidi A et al., PMID: 26007637; Allen NM et al., PMID: 25052858; Millichap JJ et al., PMID: 27602407; ClinVar Variation IDs: 205886, 21805, 3254540, 3637736). Based on available information and the ACMG/AMP guidelines for variant interpretation (Richards S et al., PMID: 25741868), this variant is classified as likely pathogenic.

Labcorp Genetics (formerly Invitae), Labcorp
Classification: Likely pathogenic for Early-infantile DEE. Last evaluated: 2022-11-29. Review status: criteria provided, single submitter. Criteria: Invitae Variant Classification Sherloc (09022015). Collection method: clinical testing. Allele origin: germline.
Comment: This sequence change replaces alanine, which is neutral and non-polar, with serine, which is neutral and polar, at codon 294 of the KCNQ2 protein (p.Ala294Ser). Advanced modeling of protein sequence and biophysical properties (such as structural, functional, and spatial information, amino acid conservation, physicochemical variation, residue mobility, and thermodynamic stability) performed at Invitae indicates that this missense variant is expected to disrupt KCNQ2 protein function. ClinVar contains an entry for this variant (Variation ID: 1002473). This variant has not been reported in the literature in individuals affected with KCNQ2-related conditions. This variant is not present in population databases (gnomAD no frequency). In summary, the currently available evidence indicates that the variant is pathogenic, but additional data are needed to prove that conclusively. Therefore, this variant has been classified as Likely Pathogenic. This variant disrupts the p.Ala294 amino acid residue in KCNQ2. Other variant(s) that disrupt this residue have been determined to be pathogenic (PMID: 23692823, 25052858, 25880994, 26007637, 27602407). This suggests that this residue is clinically significant, and that variants that disrupt this residue are likely to be disease-causing.

Literature cited by the submitters: PubMed 23692823 (cited by Labcorp Genetics (formerly Invitae), Labcorp); PubMed 25052858 (cited by Labcorp Genetics (formerly Invitae), Labcorp); PubMed 25880994 (cited by Labcorp Genetics (formerly Invitae), Labcorp); PubMed 26007637 (cited by Labcorp Genetics (formerly Invitae), Labcorp); PubMed 27602407 (cited by Labcorp Genetics (formerly Invitae), Labcorp).

NM_172107.4(KCNQ2):c.880G>T (p.Ala294Ser)

Gene: KCNQ2 (potassium voltage-gated channel subfamily Q member 2; minus strand). Cytogenetic location: 20q13.33.
Variant type: single nucleotide variant.
Coding change: c.880G>T on transcript NM_172107.4 (MANE Select); coding-DNA position 880, G replaced by T.
Protein change: p.Ala294Ser; replaces alanine 294 with serine.
Molecular consequence: missense variant.
Genome position (GRCh38, 1-based): chr20:63,439,645, C>A on the plus strand (G>T on the coding strand, the complement: KCNQ2 is on the minus strand). VCF-style: chr20-63439645-C-A. GRCh37 (hg19) VCF-style: chr20-62070998-C-A.
Other names: c.880G>T, p.Ala294Ser (NM_001382235.1, NM_004518.6, NM_172106.3 and 2 more transcripts); short protein forms A294S.
Identifiers: ClinVar variation 1002473 (VCV001002473.12), dbSNP rs2081099858, ClinGen allele CA409652583.
Genomic context (GRCh38, chr20:63,439,645, plus strand): 5'-CAGCTGGACTTACTGCAGGCAGCGCGAAGAAGGAGACACCGATGAGGGTGAAGGTTGCCG[C>A]AAGGAGCCTGCCGTTCCAGGTCTGGGGGTACTTGTCCCCGTAGCCAATGGTGGTCAGCGT-3'
Protein context (NP_742105.1, residues 284-304): YPQTWNGRLL[Ala294Ser]ATFTLIGVSF